The following is an entry in ClinVar:

NM_004415.4(DSP):c.431A>C (p.Gln144Pro)

Gene: DSP (desmoplakin; plus strand). Cytogenetic location: 6p24.3.
Variant type: single nucleotide variant.
Coding change: c.431A>C on transcript NM_004415.4 (MANE Select); coding-DNA position 431, A replaced by C.
Protein change: p.Gln144Pro; replaces glutamine 144 with proline.
Molecular consequence: missense variant.
Genome position (GRCh38, 1-based): chr6:7,559,234, A>C. VCF-style: chr6-7559234-A-C. GRCh37 (hg19) VCF-style: chr6-7559467-A-C.
Other names: c.431A>C, p.Gln144Pro (NM_001008844.3, NM_001319034.2); short protein forms Q144P.
Identifiers: ClinVar variation 1306484 (VCV001306484.11), dbSNP rs768178768, ClinGen allele CA041107.
Genomic context (GRCh38, chr6:7,559,234, plus strand): 5'-GGTTTTCATAGGCTGTTTTCCTGCAGTGGTTTAAAGGTTTTTTTCTTTGCAGGCTTCTTC[A>C]GCTCCAAGAGCAAATGCGAGCCCTTTATAAAGCCATCAGTGTCCCTCGAGTCCGCAGGGC-3'
Protein context (NP_004406.2, residues 134-154): PCDAYQKRLL[Gln144Pro]LQEQMRALYK

ClinVar aggregate classification (germline): Uncertain significance. Review status: criteria provided, multiple submitters, no conflicts (2 of 4 stars). 4 submissions from 4 submitters: Uncertain significance (4). Last evaluated 2025-05-02.

Conditions:
Cardiovascular phenotype. Identifiers: MedGen CN230736.
Arrhythmogenic cardiomyopathy with wooly hair and keratoderma. Also called: Carvajal syndrome; Dilated cardiomyopathy with woolly hair and keratoderma; PALMOPLANTAR KERATODERMA WITH LEFT VENTRICULAR CARDIOMYOPATHY AND WOOLLY HAIR; Arrhythmogenic cardiomyopathy with woolly hair and keratoderma. Identifiers: Orphanet 65282, MedGen C1854063, MONDO:0011581, OMIM 605676.
Arrhythmogenic right ventricular dysplasia 8 (ARVD8). Also called: Arrhythmogenic Right Ventricular Dysplasia/Cardiomyopathy 8; ARRHYTHMOGENIC RIGHT VENTRICULAR CARDIOMYOPATHY 8; ARRHYTHMOGENIC RIGHT VENTRICULAR DYSPLASIA, FAMILIAL, 8. Identifiers: MedGen C1843896, MONDO:0011831, OMIM 607450.

Allele frequency attached by ClinVar (database versions not stated): gnomAD exomes below 0.00001; TOPMed below 0.00001; ExAC 0.00001; gnomAD 0.00001.
gnomAD v4.1: 4 of 1,613,814 alleles (0.00025%); highest among the groups gnomAD compares: Non-Finnish European, 0.00034%; no homozygotes.

Submissions (4):

Labcorp Genetics (formerly Invitae), Labcorp
Classification: Uncertain significance for Arrhythmogenic cardiomyopathy with wooly hair and keratoderma; Arrhythmogenic right ventricular dysplasia 8. Last evaluated: 2025-05-02. Review status: criteria provided, single submitter. Criteria: Invitae Variant Classification Sherloc (09022015). Collection method: clinical testing. Allele origin: germline.
Comment: This sequence change replaces glutamine, which is neutral and polar, with proline, which is neutral and non-polar, at codon 144 of the DSP protein (p.Gln144Pro). This variant is present in population databases (rs768178768, gnomAD 0.002%). This variant has not been reported in the literature in individuals affected with DSP-related conditions. ClinVar contains an entry for this variant (Variation ID: 1306484). An algorithm developed to predict the effect of missense changes on protein structure and function (PolyPhen-2) suggests that this variant is likely to be disruptive. In summary, the available evidence is currently insufficient to determine the role of this variant in disease. Therefore, it has been classified as a Variant of Uncertain Significance.

All of Us Research Program, National Institutes of Health
Classification: Uncertain significance for Arrhythmogenic cardiomyopathy with wooly hair and keratoderma. Last evaluated: 2024-08-06. Review status: criteria provided, single submitter. Criteria: ACMG Guidelines, 2015. Collection method: clinical testing. Allele origin: germline. Inheritance: Autosomal dominant inheritance. Observed: 2 variant alleles, 2 heterozygotes.
Comment: This missense variant replaces glutamine with proline at codon 144 of the DSP protein. Computational prediction suggests that this variant may not impact protein structure and function (internally defined REVEL score threshold <= 0.5, PMID: 27666373). To our knowledge, functional studies have not been reported for this variant. This variant has not been reported in individuals affected with DSP-related disorders in the literature. This variant has been identified in 1/250396 chromosomes in the general population by the Genome Aggregation Database (gnomAD). The available evidence is insufficient to determine the role of this variant in disease conclusively. Therefore, this variant is classified as a Variant of Uncertain Significance.

This study involves interpretation of variants in research participants for the purpose of population health screening. Participant phenotype was not available at the time of variant classification. Additional details can be found in publication PMID: 35346344, PMCID: PMC8962531

Ambry Genetics
Classification: Uncertain significance for Cardiovascular phenotype. Last evaluated: 2024-03-04. Review status: criteria provided, single submitter. Criteria: Ambry Variant Classification Scheme 2023. Collection method: clinical testing. Allele origin: germline.
Comment: The p.Q144P variant (also known as c.431A>C), located in coding exon 4 of the DSP gene, results from an A to C substitution at nucleotide position 431. The glutamine at codon 144 is replaced by proline, an amino acid with similar properties. This amino acid position is highly conserved in available vertebrate species. In addition, the in silico prediction for this alteration is inconclusive. Since supporting evidence is limited at this time, the clinical significance of this alteration remains unclear.

GeneDx
Classification: Uncertain significance. Last evaluated: 2019-06-14. Review status: criteria provided, single submitter. Criteria: GeneDx Variant Classification Process June 2021. Collection method: clinical testing. Allele origin: germline. Affected: yes.
Comment: Has not been previously published as pathogenic or benign to our knowledge; Not observed at a significant frequency in large population cohorts (Lek et al., 2016); In silico analysis, which includes protein predictors and evolutionary conservation, supports that this variant does not alter protein structure/function